The following is an entry in ClinVar:

ClinVar aggregate classification (germline): Likely benign (1 of 4 stars; one submission).

Allele frequency attached by ClinVar (database versions not stated): 1000 Genomes Project 0.00260; 1000 Genomes Project 30x 0.00281; gnomAD 0.00361; TOPMed 0.00361; ESP Exome Variant Server 0.00416; ExAC 0.00461; gnomAD exomes 0.00553.
gnomAD v4.1: 8,443 of 1,581,004 alleles (0.53%); highest among the groups gnomAD compares: Non-Finnish European, 0.64%; 26 homozygotes.

Submission:

CeGaT Center for Human Genetics Tuebingen
Classification: Likely benign. Last evaluated: 2022-11-01. Review status: criteria provided, single submitter. Criteria: CeGaT Center For Human Genetics Tuebingen Variant Classification Criteria Version 2. Collection method: clinical testing. Allele origin: germline. Affected: yes. Observed: 1 variant allele.
Comment: OR6N2: BS2

NM_001005278.2(OR6N2):c.-6-1G>T

Genes: OR6N1 (olfactory receptor family 6 subfamily N member 1; minus strand), OR6N2 (olfactory receptor family 6 subfamily N member 2; minus strand). Cytogenetic location: 1q23.1.
Variant type: single nucleotide variant.
Coding change: c.-6-1G>T on transcript NM_001005278.2 (MANE Select); the canonical splice acceptor site of the intron before 6 bases upstream of the start codon, G replaced by T.
Molecular consequence: splice acceptor variant.
Genome position (GRCh38, 1-based): chr1:158,777,642, C>A on the plus strand (G>T on the coding strand, the complement: OR6N2 is on the minus strand). VCF-style: chr1-158777642-C-A. GRCh37 (hg19) VCF-style: chr1-158747432-C-A.
Identifiers: ClinVar variation 2639480 (VCV002639480.24), dbSNP rs41264044, ClinGen allele CA1185451.